The following is an entry in ClinVar:

NM_001243177.4(ALDOA):c.929C>T (p.Ala310Val)

Genes: ALDOA (aldolase, fructose-bisphosphate A; plus strand), LOC112694756 (uncharaterized LOC112694756; plus strand). Cytogenetic location: 16p11.2.
Variant type: single nucleotide variant.
Coding change: c.929C>T on transcript NM_001243177.4 (MANE Select); coding-DNA position 929, C replaced by T.
Protein change: p.Ala310Val; replaces alanine 310 with valine.
Molecular consequence: missense variant. On other transcripts: 3 prime UTR variant (3).
Genome position (GRCh38, 1-based): chr16:30,069,641, C>T. VCF-style: chr16-30069641-C-T. GRCh37 (hg19) VCF-style: chr16-30080962-C-T.
Other names: NM_000034.3:c.767C>T; c.*1276C>T (NM_001365304.2, NM_001365305.2, NM_001365307.2); c.767C>T, p.Ala256Val (NM_001127617.2, NM_184041.5, NM_184043.2); short protein forms A256V, A310V.
Identifiers: ClinVar variation 1302897 (VCV001302897.4), dbSNP rs201658390, ClinGen allele CA8001119.

ClinVar aggregate classification (germline): Uncertain significance. Review status: criteria provided, multiple submitters, no conflicts (2 of 4 stars). 3 submissions from 3 submitters: Uncertain significance (3). Last evaluated 2022-05-10.

Conditions:
HNSHA due to aldolase A deficiency (GSD12). Also called: GLYCOGEN STORAGE DISEASE XII; GSD XII; Glycogen storage disease due to aldolase A deficiency; RED CELL ALDOLASE DEFICIENCY. Identifiers: Orphanet 57, MedGen C0272066, MONDO:0012747, OMIM 611881.

Allele frequency attached by ClinVar (database versions not stated): gnomAD 0.00003 and 0.00004; gnomAD exomes 0.00003 and 0.00005; ExAC 0.00004; TOPMed 0.00004.
gnomAD v4.1: 43 of 1,613,660 alleles (0.0027%); highest among the groups gnomAD compares: South Asian, 0.019%; 1 homozygote.

Submissions (3):

Labcorp Genetics (formerly Invitae), Labcorp
Classification: Uncertain significance for HNSHA due to aldolase A deficiency. Last evaluated: 2022-05-10. Review status: criteria provided, single submitter. Criteria: Invitae Variant Classification Sherloc (09022015). Collection method: clinical testing. Allele origin: germline.
Comment: This sequence change replaces alanine, which is neutral and non-polar, with valine, which is neutral and non-polar, at codon 256 of the ALDOA protein (p.Ala256Val). This variant is present in population databases (rs201658390, gnomAD 0.02%). This variant has not been reported in the literature in individuals affected with ALDOA-related conditions. ClinVar contains an entry for this variant (Variation ID: 1302897). Algorithms developed to predict the effect of missense changes on protein structure and function (SIFT, PolyPhen-2, Align-GVGD) all suggest that this variant is likely to be tolerated. In summary, the available evidence is currently insufficient to determine the role of this variant in disease. Therefore, it has been classified as a Variant of Uncertain Significance.

GeneDx
Classification: Uncertain significance. Last evaluated: 2021-01-28. Review status: criteria provided, single submitter. Criteria: GeneDx Variant Classification Process June 2021. Collection method: clinical testing. Allele origin: germline. Affected: yes.
Comment: In silico analysis supports that this missense variant does not alter protein structure/function; Has not been previously published as pathogenic or benign to our knowledge

Breakthrough Genomics
Classification: Uncertain significance. Review status: criteria provided, single submitter. Criteria: ACMG Guidelines, 2015. Collection method: not provided. Allele origin: germline. Inheritance: Autosomal recessive inheritance. Affected: yes.